The following is an entry in ClinVar:

ClinVar aggregate classification (germline): Conflicting classifications of pathogenicity. Review status: criteria provided, conflicting classifications (1 of 4 stars). 5 submissions from 5 submitters: Uncertain significance (3); Likely benign (1). 1 of the submissions does not count toward it. Last evaluated 2026-01-20.

Conditions:
Infantile cerebellar-retinal degeneration (ICRD). Identifiers: Orphanet 313850, MedGen C3281192, MONDO:0013802, OMIM 614559.

Allele frequency attached by ClinVar (database versions not stated): gnomAD 0.00001 and 0.00009; TOPMed 0.00002; gnomAD exomes 0.00015 and 0.00029; ExAC 0.00022; 1000 Genomes Project 0.00040; 1000 Genomes Project 30x 0.00047.
gnomAD v4.1: 232 of 1,614,166 alleles (0.014%); highest among the groups gnomAD compares: South Asian, 0.23%; 4 homozygotes.

Submissions (5):

Labcorp Genetics (formerly Invitae), Labcorp
Classification: Likely benign. Last evaluated: 2026-01-20. Review status: criteria provided, single submitter. Criteria: Invitae Variant Classification Sherloc (09022015). Collection method: clinical testing. Allele origin: germline.

GeneDx
Classification: Uncertain significance. Last evaluated: 2025-02-11. Review status: criteria provided, single submitter. Criteria: GeneDx Variant Classification Process June 2021. Collection method: clinical testing. Allele origin: germline. Affected: yes.
Comment: Has not been previously published as pathogenic or benign to our knowledge; In silico analysis supports that this missense variant does not alter protein structure/function; This variant is associated with the following publications: (PMID: 31589614)

Blueprint Genetics
Classification: Uncertain significance. Last evaluated: 2024-10-23. Review status: criteria provided, single submitter. Criteria: ACMG Guidelines, 2015. Collection method: clinical testing. Allele origin: germline.

Genomic Research Center, Shahid Beheshti University of Medical Sciences
Classification: Uncertain significance for Infantile cerebellar-retinal degeneration. Last evaluated: 2019-01-01. Review status: criteria provided, single submitter. Criteria: ACMG Guidelines, 2015. Collection method: clinical testing. Allele origin: inherited. Affected: yes.

Department of Pathology and Laboratory Medicine, Sinai Health System
Classification: Uncertain significance. Review status: no assertion criteria provided. Collection method: clinical testing. Allele origin: unknown. Affected: yes. Study: The Canadian Open Genetics Repository (COGR). Not counted in ClinVar's aggregate classification.
Comment: The ACO2 p.Thr517Met variant was not identified in the literature but was identified in dbSNP (ID: rs540169523) and ClinVar (classified as uncertain significance by Genomic Research Center, Shahid Beheshti University of Medical Sciences). The variant was identified in control databases in 74 of 282884 chromosomes at a frequency of 0.0002616 (Genome Aggregation Database March 6, 2019, v2.1.1). The variant was observed in the following populations: South Asian in 71 of 30616 chromosomes (freq: 0.002319), Other in 2 of 7224 chromosomes (freq: 0.000277) and European (non-Finnish) in 1 of 129182 chromosomes (freq: 0.000008), but was not observed in the African, Latino, Ashkenazi Jewish, East Asian, or European (Finnish) populations. The p.Thr517 residue is not conserved in mammals and four out of five computational analyses (PolyPhen-2, SIFT, AlignGVGD, BLOSUM, MutationTaster) do not suggest a high likelihood of impact to the protein; however, this information is not predictive enough to rule out pathogenicity. The variant occurs outside of the splicing consensus sequence and in silico or computational prediction software programs (SpliceSiteFinder, MaxEntScan, NNSPLICE, GeneSplicer) do not predict a difference in splicing. In summary, based on the above information the clinical significance of this variant cannot be determined with certainty at this time. This variant is classified as a variant of uncertain significance.

NM_001098.3(ACO2):c.1550C>T (p.Thr517Met)

Gene: ACO2 (aconitase 2; plus strand). Cytogenetic location: 22q13.2.
Variant type: single nucleotide variant.
Coding change: c.1550C>T on transcript NM_001098.3 (MANE Select); coding-DNA position 1550, C replaced by T.
Protein change: p.Thr517Met; replaces threonine 517 with methionine.
Molecular consequence: missense variant.
Genome position (GRCh38, 1-based): chr22:41,524,913, C>T. VCF-style: chr22-41524913-C-T. GRCh37 (hg19) VCF-style: chr22-41920917-C-T.
Other names: short protein forms T517M.
Identifiers: ClinVar variation 522983 (VCV000522983.16), dbSNP rs540169523, ClinGen allele CA10257697.
Genomic context (GRCh38, chr22:41,524,913, plus strand): 5'-CAGCCCTGGCCATTGCGGGAACCCTCAAGTTCAACCCAGAGACCGACTACCTGACGGGCA[C>T]GGATGGCAAGAAGTTCAGGCTGGAGGCTCCGGATGCAGATGAGCTTCCCAAAGGGGTGAG-3'
Protein context (NP_001089.1, residues 507-527): FNPETDYLTG[Thr517Met]DGKKFRLEAP